The following is an entry in ClinVar:

NM_001020658.2(PUM1):c.49T>A (p.Ser17Thr)

Gene: PUM1 (pumilio RNA binding family member 1; minus strand). Cytogenetic location: 1p35.2.
Variant type: single nucleotide variant.
Coding change: c.49T>A on transcript NM_001020658.2 (MANE Select); coding-DNA position 49, T replaced by A.
Protein change: p.Ser17Thr; replaces serine 17 with threonine.
Molecular consequence: missense variant.
Genome position (GRCh38, 1-based): chr1:31,059,518, A>T on the plus strand (T>A on the coding strand, the complement: PUM1 is on the minus strand). VCF-style: chr1-31059518-A-T. GRCh37 (hg19) VCF-style: chr1-31532365-A-T.
Other names: c.49T>A, p.Ser17Thr (NM_014676.3); short protein forms S17T.
Identifiers: ClinVar variation 3343512 (VCV003343512.1).

ClinVar aggregate classification (germline): Uncertain significance (1 of 4 stars; one submission).

Submission:

GeneDx
Classification: Uncertain significance. Last evaluated: 2023-05-17. Review status: criteria provided, single submitter. Criteria: GeneDx Variant Classification Process June 2021. Collection method: clinical testing. Allele origin: germline. Affected: yes.
Comment: Not observed at significant frequency in large population cohorts (gnomAD); In silico analysis supports that this missense variant does not alter protein structure/function; Has not been previously published as pathogenic or benign to our knowledge